The following is an entry in ClinVar:

NM_004629.2(FANCG):c.1526T>C (p.Leu509Pro)

Gene: FANCG (FA complementation group G; minus strand). Cytogenetic location: 9p13.3.
Variant type: single nucleotide variant.
Coding change: c.1526T>C on transcript NM_004629.2 (MANE Select); coding-DNA position 1526, T replaced by C.
Protein change: p.Leu509Pro; replaces leucine 509 with proline.
Molecular consequence: missense variant.
Genome position (GRCh38, 1-based): chr9:35,075,037, A>G on the plus strand (T>C on the coding strand, the complement: FANCG is on the minus strand). VCF-style: chr9-35075037-A-G. GRCh37 (hg19) VCF-style: chr9-35075034-A-G.
Other names: short protein forms L509P.
Identifiers: ClinVar variation 4841403 (VCV004841403.1).
Genomic context (GRCh38, chr9:35,075,037, plus strand): 5'-TGGCCGCTGGCTACCCATTCCAGTCCACGACTAATTAGGGCGGCTGCCCGAAGCTGCTGC[A>G]GTGCCGCATCTGACTTACATCCCTGCTCACAGTTGAAAGCTGCCCCTGGGGACCACTCCC-3'
Protein context (NP_004620.1, residues 499-519): CEQGCKSDAA[Leu509Pro]QQLRAAALIS

ClinVar aggregate classification (germline): Uncertain significance (1 of 4 stars; one submission).

Conditions:
Inborn genetic diseases. Identifiers: MedGen C0950123, MeSH D030342.

Submission:

Ambry Genetics
Classification: Uncertain significance for Inborn genetic diseases. Last evaluated: 2025-12-21. Review status: criteria provided, single submitter. Criteria: Ambry Variant Classification Scheme 2023. Collection method: clinical testing. Allele origin: germline.
Comment: The p.L509P variant (also known as c.1526T>C), located in coding exon 12 of the FANCG gene, results from a T to C substitution at nucleotide position 1526. The leucine at codon 509 is replaced by proline, an amino acid with similar properties. This amino acid position is conserved. In addition, the in silico prediction for this alteration is inconclusive. Based on the available evidence, the clinical significance of this variant remains unclear.